The following is an entry in ClinVar:

ClinVar aggregate classification (germline): Pathogenic. Review status: criteria provided, multiple submitters, no conflicts (2 of 4 stars). 14 submissions from 12 submitters: Pathogenic (11). 3 of the submissions do not count toward it. Last evaluated 2026-01-22.

Conditions:
CRB1-related disorder. Also called: CRB1-related disorders; CRB1-related condition.
Leber congenital amaurosis 8 (LCA8). Identifiers: Orphanet 65, MedGen C3151202, MONDO:0013453, OMIM 613835.
Retinitis pigmentosa 12 (RP12). Also called: RP WITH OR WITHOUT PPRPE; RP WITH OR WITHOUT PRESERVED PARAARTERIOLE RETINAL PIGMENT EPITHELIUM; RETINITIS PIGMENTOSA WITH OR WITHOUT PARAARTERIOLAR PRESERVATION OF RETINAL PIGMENT EPITHELIUM. Identifiers: Orphanet 791, MedGen C1838647, MONDO:0010818, OMIM 600105.
Retinal dystrophy. Also called: Inherited retinal dystrophy. Identifiers: Orphanet 71862, MedGen C0854723, MeSH D058499, MONDO:0019118, HP:0000556.
Pigmented paravenous retinochoroidal atrophy. Identifiers: Orphanet 251295, MedGen C1868310, MONDO:0008246, OMIM 172870.
Leber congenital amaurosis (LCA). Also called: Leber's amaurosis. Identifiers: Orphanet 65, MedGen C0339527, MeSH D057130, MONDO:0018998.

Allele frequency attached by ClinVar (database versions not stated): gnomAD 0.00001; gnomAD exomes 0.00001; 1000 Genomes Project 30x 0.00016; 1000 Genomes Project 0.00020.

Submissions (14):

Natera, Inc.
Classification: Pathogenic for Leber congenital amaurosis. Last evaluated: 2026-01-22. Review status: criteria provided, single submitter. Criteria: Natera Variant Classification Schema (03/2026). Collection method: clinical testing. Allele origin: germline.
Comment: The c.3122T>C variant in CRB1 is a missense variant predicted to cause substitution of methionine to threonine at amino acid 1041. This variant is rare in the general population with a frequency below the threshold expected for the associated phenotype(s). This variant has been observed in one or more individuals affected with the associated recessive disease, as either homozygous or compound heterozygous with a second variant (PMID: 37792335). Computational prediction algorithms indicate this variant is likely to affect gene or protein function. Given the available evidence, this variant is classified as Pathogenic.

Labcorp Genetics (formerly Invitae), Labcorp
Classification: Pathogenic for Leber congenital amaurosis 8; Retinitis pigmentosa 12. Last evaluated: 2025-03-25. Review status: criteria provided, single submitter. Criteria: Invitae Variant Classification Sherloc (09022015). Collection method: clinical testing. Allele origin: germline.
Comment: This sequence change replaces methionine, which is neutral and non-polar, with threonine, which is neutral and polar, at codon 1041 of the CRB1 protein (p.Met1041Thr). This variant is present in population databases (rs62635656, gnomAD 0.003%). This missense change has been observed in individual(s) with retinitis pigmentosa (PMID: 10508521, 27380427). It has also been observed to segregate with disease in related individuals. ClinVar contains an entry for this variant (Variation ID: 5730). Invitae Evidence Modeling of protein sequence and biophysical properties (such as structural, functional, and spatial information, amino acid conservation, physicochemical variation, residue mobility, and thermodynamic stability) indicates that this missense variant is expected to disrupt CRB1 protein function with a positive predictive value of 80%. This variant disrupts the p.Met1041 amino acid residue in CRB1. Other variant(s) that disrupt this residue have been observed in individuals with CRB1-related conditions (PMID: 10508521, 30543658), which suggests that this may be a clinically significant amino acid residue. For these reasons, this variant has been classified as Pathogenic.

Fulgent Genetics
Classification: Pathogenic for Pigmented paravenous retinochoroidal atrophy; Retinitis pigmentosa 12; Leber congenital amaurosis 8. Last evaluated: 2024-06-04. Review status: criteria provided, single submitter. Criteria: ACMG Guidelines, 2015. Collection method: clinical testing. Allele origin: germline.

Women's Health and Genetics/Laboratory Corporation of America, LabCorp
Classification: Pathogenic for Retinal dystrophy. Last evaluated: 2024-05-03. Review status: criteria provided, single submitter. Criteria: LabCorp Variant Classification Summary - May 2015. Collection method: clinical testing. Allele origin: germline.
Comment: Variant summary: CRB1 c.3122T>C (p.Met1041Thr) results in a non-conservative amino acid change located in the Laminin G domain (IPR001791) of the encoded protein sequence. Three of five in-silico tools predict a damaging effect of the variant on protein function. The variant allele was found at a frequency of 1.2e-05 in 251068 control chromosomes. c.3122T>C has been reported in the literature in multiple individuals affected with Retinal Dystrophy (Mathijssen_2017, DenHollander_1999). These data indicate that the variant is very likely to be associated with disease. To our knowledge, no experimental evidence demonstrating an impact on protein function has been reported. The following publications have been ascertained in the context of this evaluation (PMID: 10508521, 27380427). ClinVar contains an entry for this variant (Variation ID: 5730). Based on the evidence outlined above, the variant was classified as pathogenic.

Baylor Genetics
Classification: Pathogenic for Leber congenital amaurosis 8. Last evaluated: 2024-03-20. Review status: criteria provided, single submitter. Criteria: ACMG Guidelines, 2015. Collection method: clinical testing. Allele origin: unknown.

Genome-Nilou Lab
Classification: Pathogenic for Leber congenital amaurosis 8. Last evaluated: 2023-04-11. Review status: criteria provided, single submitter. Criteria: ACMG Guidelines, 2015. Collection method: clinical testing. Allele origin: germline. Affected: no.

Genome-Nilou Lab
Classification: Pathogenic for Pigmented paravenous retinochoroidal atrophy. Last evaluated: 2023-04-11. Review status: criteria provided, single submitter. Criteria: ACMG Guidelines, 2015. Collection method: clinical testing. Allele origin: germline. Affected: no.

Genome-Nilou Lab
Classification: Pathogenic for Retinitis pigmentosa 12. Last evaluated: 2023-04-11. Review status: criteria provided, single submitter. Criteria: ACMG Guidelines, 2015. Collection method: clinical testing. Allele origin: germline. Affected: no.

Institute of Human Genetics, Univ. Regensburg, Univ. Regensburg
Classification: Pathogenic for Retinal dystrophy. Last evaluated: 2022-01-01. Review status: criteria provided, single submitter. Criteria: ACMG Guidelines, 2015. Collection method: clinical testing. Allele origin: germline. Affected: yes.

Blueprint Genetics
Classification: Pathogenic for CRB1-related disorders. Last evaluated: 2019-03-20. Review status: criteria provided, single submitter. Criteria: ACMG Guidelines, 2015. Collection method: clinical testing. Allele origin: germline. Affected: yes. Observed: 2 variant alleles.

Illumina Laboratory Services, Illumina
Classification: Pathogenic for CRB1-Related Disorders. Last evaluated: 2018-08-09. Review status: criteria provided, single submitter. Criteria: ICSL Variant Classification Criteria 09 May 2019. Collection method: clinical testing. Allele origin: germline.
Comment: Across a selection of the available literature, the CRB1 c.3122T>C (p.Met1041Thr) missense variant has been reported in at least three studies in which it is found in a homozygous state in total of 37 individuals from two large families, the majority of whom were described as being affected with autosomal recessive retinitis pigmentosa (arRP) (den Hollander et al. 1999; Hettinga et al. 2016; Mathijssen et al. 2016). The p.Met1041Thr variant was also detected in a heterozygous state in six unaffected parents of affected individuals. An additional individual with arRP was reportedly heterozygous for the p.Met1041Thr but also carried likely causative variants in other genes associated with arRP (Eisenberger et al. 2013). To date, this variant has not been reported in association with autosomal dominant retinal disorders or other autosomal recessive phenotypes. The p.Met1041Thr variant was reported in a heterozygous state in 16 of 940 controls and is reported at a frequency of 0.000027 in the European (non-Finnish) population of the Genome Aggregation Database. Based on the evidence, the p.Met1041Thr variant is classified as pathogenic for CRB1-related disorders. This variant was observed by ICSL as part of a predisposition screen in an ostensibly healthy population.

OMIM
Classification: Pathogenic for RETINITIS PIGMENTOSA 12. Last evaluated: 1999-10-01. Review status: no assertion criteria provided. Collection method: literature only. Allele origin: germline. Not counted in ClinVar's aggregate classification.

Laboratory of Genetics in Ophthalmology, Institut Imagine
Classification: Pathogenic for Leber congenital amaurosis 8. Review status: no assertion criteria provided. Collection method: research. Allele origin: inherited. Affected: yes. Observed: 1 variant allele. Not counted in ClinVar's aggregate classification.

Retina International
No classification provided. Review status: no classification provided. Collection method: not provided. Allele origin: not provided. Not counted in ClinVar's aggregate classification.

Literature cited by the submitters: PubMed 37792335 (cited by Natera, Inc.); PubMed 10508521 (cited by 6 submitters); PubMed 27380427 (cited by 4 submitters); PubMed 30543658 (cited by Labcorp Genetics (formerly Invitae), Labcorp); PubMed 24265693 (cited by Institute of Human Genetics, Univ. Regensburg, Univ. Regensburg and Illumina Laboratory Services, Illumina); PubMed 27157150 (cited by Institute of Human Genetics, Univ. Regensburg, Univ. Regensburg and Illumina Laboratory Services, Illumina); PubMed 28341475 (cited by Institute of Human Genetics, Univ. Regensburg, Univ. Regensburg); PubMed 31964843 (cited by Institute of Human Genetics, Univ. Regensburg, Univ. Regensburg); PubMed 36460718 (cited by Institute of Human Genetics, Univ. Regensburg, Univ. Regensburg); PubMed 1427914 (cited by OMIM).

NM_201253.3(CRB1):c.3122T>C (p.Met1041Thr)

Gene: CRB1 (crumbs cell polarity complex component 1; plus strand). Cytogenetic location: 1q31.3.
Variant type: single nucleotide variant.
Coding change: c.3122T>C on transcript NM_201253.3 (MANE Select); coding-DNA position 3122, T replaced by C.
Protein change: p.Met1041Thr; replaces methionine 1041 with threonine.
Molecular consequence: missense variant. On other transcripts: non-coding transcript variant (2), intron variant (1).
Genome position (GRCh38, 1-based): chr1:197,434,985, T>C. VCF-style: chr1-197434985-T-C. GRCh37 (hg19) VCF-style: chr1-197404115-T-C.
Other names: c.2786T>C, p.Met929Thr (NM_001193640.2); c.3050T>C, p.Met1017Thr (NM_001257965.2); c.2129-615T>C (NM_001257966.2); short protein forms M1041T, M1017T, M929T.
Identifiers: ClinVar variation 5730 (VCV000005730.24), dbSNP rs62635656, ClinGen allele CA228031.